The following is an entry in ClinVar:

ClinVar aggregate classification (germline): Uncertain significance. Review status: criteria provided, multiple submitters, no conflicts (2 of 4 stars). 3 submissions from 3 submitters: Uncertain significance (3). Last evaluated 2024-08-16.

Conditions:
Emery-Dreifuss muscular dystrophy 4, autosomal dominant (EDMD4). Also called: EMERY-DREIFUSS MUSCULAR DYSTROPHY 4 WITH VARIABLE FEATURES. Identifiers: Orphanet 261, MedGen C2751807, MONDO:0013071, OMIM 612998.
Autosomal recessive ataxia, Beauce type. Also called: Spinocerebellar ataxia, autosomal recessive 8; ATAXIA, RECESSIVE, OF BEAUCE; SYNE1-Related Autosomal Recessive Cerebellar Ataxia; SYNE1 Deficiency. Identifiers: Orphanet 88644, MedGen C1853116, MONDO:0012549, OMIM 610743.

Allele frequency attached by ClinVar (database versions not stated): gnomAD 0.00001; gnomAD exomes 0.00001; TOPMed below 0.00001.
gnomAD v4.1: 10 of 1,613,996 alleles (0.00062%); highest among the groups gnomAD compares: Admixed American, 0.015%; no homozygotes.

Submissions (3):

Women's Health and Genetics/Laboratory Corporation of America, LabCorp
Classification: Uncertain significance. Last evaluated: 2024-08-16. Review status: criteria provided, single submitter. Criteria: LabCorp Variant Classification Summary - May 2015. Collection method: clinical testing. Allele origin: germline.
Comment: Variant summary: SYNE1 c.4545G>T (p.Gln1515His) results in a non-conservative amino acid change in the encoded protein sequence. Four of five in-silico tools predict a damaging effect of the variant on protein function. The variant allele was found at a frequency of 8e-06 in 251384 control chromosomes. The available data on variant occurrences in the general population are insufficient to allow any conclusion about variant significance. To our knowledge, no occurrence of c.4545G>T in individuals affected with SYNE1-Related Disorders and no experimental evidence demonstrating its impact on protein function have been reported. ClinVar contains an entry for this variant (Variation ID: 448602). Based on the evidence outlined above, the variant was classified as uncertain significance.

Labcorp Genetics (formerly Invitae), Labcorp
Classification: Uncertain significance for Emery-Dreifuss muscular dystrophy 4, autosomal dominant; Autosomal recessive ataxia, Beauce type. Last evaluated: 2021-08-13. Review status: criteria provided, single submitter. Criteria: Invitae Variant Classification Sherloc (09022015). Collection method: clinical testing. Allele origin: germline.
Comment: This sequence change replaces glutamine with histidine at codon 1515 of the SYNE1 protein (p.Gln1515His). The glutamine residue is highly conserved and there is a small physicochemical difference between glutamine and histidine. This variant is not present in population databases (ExAC no frequency). This variant has not been reported in the literature in individuals affected with SYNE1-related conditions. Algorithms developed to predict the effect of missense changes on protein structure and function are either unavailable or do not agree on the potential impact of this missense change (SIFT: "Deleterious"; PolyPhen-2: "Benign"; Align-GVGD: "Class C0"). In summary, the available evidence is currently insufficient to determine the role of this variant in disease. Therefore, it has been classified as a Variant of Uncertain Significance.

Athena Diagnostics
Classification: Uncertain significance. Last evaluated: 2017-06-09. Review status: criteria provided, single submitter. Criteria: Athena Diagnostics Criteria. Collection method: clinical testing. Allele origin: germline.

NM_182961.4(SYNE1):c.4524G>T (p.Gln1508His)

Gene: SYNE1 (spectrin repeat containing nuclear envelope protein 1; minus strand). Cytogenetic location: 6q25.2.
Variant type: single nucleotide variant.
Coding change: c.4524G>T on transcript NM_182961.4 (MANE Select); coding-DNA position 4524, G replaced by T.
Protein change: p.Gln1508His; replaces glutamine 1508 with histidine.
Molecular consequence: missense variant.
Genome position (GRCh38, 1-based): chr6:152,430,647, C>A on the plus strand (G>T on the coding strand, the complement: SYNE1 is on the minus strand). VCF-style: chr6-152430647-C-A. GRCh37 (hg19) VCF-style: chr6-152751782-C-A.
Other names: c.4545G>T, p.Gln1515His (NM_033071.5); short protein forms Q1508H, Q1515H.
Identifiers: ClinVar variation 448602 (VCV000448602.7), dbSNP rs1378400021, ClinGen allele CA366143005.
Genomic context (GRCh38, chr6:152,430,647, plus strand): 5'-TTGTGTCAACTTGGCTTTAATTCGAGCAGATTCTCCAGTGGTAACAAACTGAGCAAAAGA[C>A]TGGGCTTCTTCTTCTAATCCTACAATGCTGCTGAGCTTACTTTCTATTTCCTGAATTGTG-3'
Protein context (NP_892006.3, residues 1498-1518): SSIVGLEEEA[Gln1508His]SFAQFVTTGE